The following is an entry in ClinVar:

ClinVar aggregate classification (germline): Pathogenic (1 of 4 stars; one submission).

Conditions:
Neuromuscular disease caused by qualitative or quantitative defects of dysferlin. Also called: Qualitative or quantitative defects of dysferlin; Dysferlinopathy. Identifiers: Orphanet 207073, MedGen C2931687, MONDO:0016145.

Submission:

Labcorp Genetics (formerly Invitae), Labcorp
Classification: Pathogenic for Neuromuscular disease caused by qualitative or quantitative defects of dysferlin. Last evaluated: 2022-04-08. Review status: criteria provided, single submitter. Criteria: Invitae Variant Classification Sherloc (09022015). Collection method: clinical testing. Allele origin: germline.
Comment: For these reasons, this variant has been classified as Pathogenic. This variant has not been reported in the literature in individuals affected with DYSF-related conditions. This variant is not present in population databases (gnomAD no frequency). This sequence change creates a premature translational stop signal (p.Trp1094Cysfs*26) in the DYSF gene. It is expected to result in an absent or disrupted protein product. Loss-of-function variants in DYSF are known to be pathogenic (PMID: 17698709, 20301480).

Literature cited by the submitters: PubMed 17698709; PubMed 20301480.

NM_001130987.2(DYSF):c.3336del (p.Trp1112fs)

Gene: DYSF (dysferlin; plus strand). Cytogenetic location: 2p13.2.
Variant type: Deletion.
Coding change: c.3336del on transcript NM_001130987.2 (MANE Select); coding-DNA position 3336, one base deleted (G; older notation c.3336delG).
Protein change: p.Trp1112fs; shifts the reading frame from tryptophan 1112.
Molecular consequence: frameshift variant.
Genome position (GRCh38, 1-based): chr2:71,574,305, G deleted; the last of 2 consecutive G bases (chr2:71,574,304-71,574,305); deleting either gives the same sequence. VCF-style (leftmost placement, unchanged base first): chr2-71574303-TG-T. GRCh37 (hg19) VCF-style: chr2-71801433-TG-T.
Other names: c.3285del, p.Trp1095fs (NM_001130455.2, NM_001130983.2); c.3240del, p.Trp1080fs (NM_001130976.2, NM_001130977.2); c.3282del, p.Trp1094fs (NM_001130978.2, NM_003494.4); c.3375del, p.Trp1125fs (NM_001130979.2); c.3333del, p.Trp1111fs (NM_001130980.2, NM_001130981.2); c.3378del, p.Trp1126fs (NM_001130982.2); c.3243del, p.Trp1081fs (NM_001130984.2, NM_001130986.2); c.3336del, p.Trp1112fs (NM_001130985.2); short protein forms W1080fs, W1081fs, W1094fs, W1126fs, W1095fs, W1111fs, W1125fs, W1112fs.
Identifiers: ClinVar variation 2038500 (VCV002038500.4), dbSNP rs2545876679, ClinGen allele CA2580067866.